The following is an entry in ClinVar:

ClinVar aggregate classification (germline): Uncertain significance (1 of 4 stars; one submission).

Allele frequency attached by ClinVar (database versions not stated): gnomAD exomes below 0.00001.
gnomAD v4.1: 4 of 1,613,400 alleles (0.00025%); highest among the groups gnomAD compares: Admixed American, 0.0033%; no homozygotes.

Submission:

Labcorp Genetics (formerly Invitae), Labcorp
Classification: Uncertain significance. Last evaluated: 2024-07-29. Review status: criteria provided, single submitter. Criteria: Invitae Variant Classification Sherloc (09022015). Collection method: clinical testing. Allele origin: germline.
Comment: This sequence change replaces arginine, which is basic and polar, with tryptophan, which is neutral and slightly polar, at codon 753 of the MCM3AP protein (p.Arg753Trp). This variant is not present in population databases (gnomAD no frequency). This variant has not been reported in the literature in individuals affected with MCM3AP-related conditions. ClinVar contains an entry for this variant (Variation ID: 1384313). An algorithm developed to predict the effect of missense changes on protein structure and function (PolyPhen-2) suggests that this variant is likely to be disruptive. In summary, the available evidence is currently insufficient to determine the role of this variant in disease. Therefore, it has been classified as a Variant of Uncertain Significance.

NM_003906.5(MCM3AP):c.2257C>T (p.Arg753Trp)

Gene: MCM3AP (minichromosome maintenance complex component 3 associated protein; minus strand). Cytogenetic location: 21q22.3.
Variant type: single nucleotide variant.
Coding change: c.2257C>T on transcript NM_003906.5 (MANE Select); coding-DNA position 2257, C replaced by T.
Protein change: p.Arg753Trp; replaces arginine 753 with tryptophan.
Molecular consequence: missense variant.
Genome position (GRCh38, 1-based): chr21:46,272,769, G>A on the plus strand (C>T on the coding strand, the complement: MCM3AP is on the minus strand). VCF-style: chr21-46272769-G-A. GRCh37 (hg19) VCF-style: chr21-47692683-G-A.
Other names: short protein forms R753W.
Identifiers: ClinVar variation 1384313 (VCV001384313.6), dbSNP rs2145695621, ClinGen allele CA410524440.
Genomic context (GRCh38, chr21:46,272,769, plus strand): 5'-TGGCATCAAAGGAGGACATGGGCTCCTCACACATGAAGTGGGCACAGTGGATGTGAAACC[G>A]GGTGCACTTCTCAATCAGGGACACCGTCAGGGGGTCACAGAGGTGCTGCTGCGTGATATC-3'
Protein context (NP_003897.2, residues 743-763): LTVSLIEKCT[Arg753Trp]FHIHCAHFMC